The following is an entry in ClinVar:

ClinVar aggregate classification (germline): Uncertain significance. Review status: criteria provided, multiple submitters, no conflicts (2 of 4 stars). 2 submissions from 2 submitters: Uncertain significance (2). Last evaluated 2024-03-20.

Allele frequency attached by ClinVar (database versions not stated): gnomAD exomes below 0.00001; ExAC 0.00001.

Submissions (2):

Ambry Genetics
Classification: Uncertain significance. Last evaluated: 2024-03-20. Review status: criteria provided, single submitter. Criteria: Ambry Variant Classification Scheme 2023. Collection method: clinical testing. Allele origin: germline.

Labcorp Genetics (formerly Invitae), Labcorp
Classification: Uncertain significance. Last evaluated: 2021-09-09. Review status: criteria provided, single submitter. Criteria: Invitae Variant Classification Sherloc (09022015). Collection method: clinical testing. Allele origin: germline.
Comment: This sequence change replaces arginine with glycine at codon 1046 of the ARHGEF10 protein (p.Arg1046Gly). The arginine residue is moderately conserved and there is a moderate physicochemical difference between arginine and glycine. This variant is present in population databases (rs757104024, ExAC 0.009%). This variant has not been reported in the literature in individuals affected with ARHGEF10-related conditions. Algorithms developed to predict the effect of missense changes on protein structure and function are either unavailable or do not agree on the potential impact of this missense change (SIFT: "Tolerated"; PolyPhen-2: "Possibly Damaging"; Align-GVGD: "Class C0"). In summary, the available evidence is currently insufficient to determine the role of this variant in disease. Therefore, it has been classified as a Variant of Uncertain Significance.

NM_014629.4(ARHGEF10):c.3136A>G (p.Arg1046Gly)

Gene: ARHGEF10 (Rho guanine nucleotide exchange factor 10; plus strand). Cytogenetic location: 8p23.3.
Variant type: single nucleotide variant.
Coding change: c.3136A>G on transcript NM_014629.4 (MANE Select); coding-DNA position 3136, A replaced by G.
Protein change: p.Arg1046Gly; replaces arginine 1046 with glycine.
Molecular consequence: missense variant.
Genome position (GRCh38, 1-based): chr8:1,933,856, A>G. VCF-style: chr8-1933856-A-G. GRCh37 (hg19) VCF-style: chr8-1882022-A-G.
Other names: c.3022A>G, p.Arg1008Gly (NM_001308152.2); c.3136A>G, p.Arg1046Gly (NM_001308153.3); short protein forms R1046G, R1070G, R1008G.
Identifiers: ClinVar variation 1380375 (VCV001380375.7), dbSNP rs757104024, ClinGen allele CA4601230.